The following is an entry in ClinVar:

ClinVar aggregate classification (germline): Uncertain significance. Review status: criteria provided, multiple submitters, no conflicts (2 of 4 stars). 6 submissions from 6 submitters: Uncertain significance (6). Last evaluated 2026-01-18.

Conditions:
WFS1-related disorder. Identifiers: MedGen CN379391, MONDO:0700293.
Inborn genetic diseases. Identifiers: MedGen C0950123, MeSH D030342.
Autosomal dominant nonsyndromic hearing loss 6 (LFSNHL). Also called: DEAFNESS, AUTOSOMAL DOMINANT 6; Autosomal dominant nonsyndromic deafness 6; DEAFNESS, AUTOSOMAL DOMINANT 14; DEAFNESS, AUTOSOMAL DOMINANT 38. Identifiers: Orphanet 90635, MedGen C1833021, MONDO:0010963, OMIM 600965.
Type 2 diabetes mellitus. Also called: Type II diabetes mellitus. Identifiers: MedGen C0011860, MeSH D003924, MONDO:0005148, OMIM 125853, HP:0005978.
Cataract 41 (CTRCT41). Also called: CATARACT 41, CONGENITAL NUCLEAR TYPE. Identifiers: Orphanet 91492, Orphanet 98991, Orphanet 98992, Orphanet 98995, MedGen C3805412, MONDO:0007287, OMIM 116400.
Wolfram-like syndrome. Also called: HEARING LOSS, PROGRESSIVE, WITH OPTIC ATROPHY AND/OR IMPAIRED GLUCOSE REGULATION. Identifiers: Orphanet 411590, MedGen C3280358, MONDO:0013673, OMIM 614296.
Wolfram syndrome 1 (WFS1). Identifiers: Orphanet 3463, MedGen C4551693, MONDO:0009101, OMIM 222300.

Allele frequency attached by ClinVar (database versions not stated): ExAC 0.00003; gnomAD exomes 0.00003 and 0.00010; ESP Exome Variant Server 0.00008; gnomAD 0.00010 and 0.00011; TOPMed 0.00011.

Submissions (6):

Labcorp Genetics (formerly Invitae), Labcorp
Classification: Uncertain significance. Last evaluated: 2026-01-18. Review status: criteria provided, single submitter. Criteria: Invitae Variant Classification Sherloc (09022015). Collection method: clinical testing. Allele origin: germline.
Comment: This sequence change replaces arginine, which is basic and polar, with histidine, which is basic and polar, at codon 146 of the WFS1 protein (p.Arg146His). This variant is present in population databases (rs34446752, gnomAD 0.01%). This missense change has been observed in individual(s) with deafness (PMID: 38400873). ClinVar contains an entry for this variant (Variation ID: 1319042). Invitae Evidence Modeling of protein sequence and biophysical properties (such as structural, functional, and spatial information, amino acid conservation, physicochemical variation, residue mobility, and thermodynamic stability) has been performed for this missense variant. However, the output from this modeling did not meet the statistical confidence thresholds required to predict the impact of this variant on WFS1 protein function. In summary, the available evidence is currently insufficient to determine the role of this variant in disease. Therefore, it has been classified as a Variant of Uncertain Significance.

GeneDx
Classification: Uncertain significance. Last evaluated: 2024-12-02. Review status: criteria provided, single submitter. Criteria: GeneDx Variant Classification Process June 2021. Collection method: clinical testing. Allele origin: germline. Affected: yes.
Comment: Reported in an individual with hearing loss in published literature (PMID: 38400873); In silico analysis indicates that this missense variant does not alter protein structure/function; This variant is associated with the following publications: (PMID: 38400873)

Fulgent Genetics
Classification: Uncertain significance for Cataract 41; Type 2 diabetes mellitus; Wolfram syndrome 1; Autosomal dominant nonsyndromic hearing loss 6; Wolfram-like syndrome. Last evaluated: 2024-06-21. Review status: criteria provided, single submitter. Criteria: ACMG Guidelines, 2015. Collection method: clinical testing. Allele origin: germline.

Ambry Genetics
Classification: Uncertain significance for Inborn genetic diseases. Last evaluated: 2024-05-29. Review status: criteria provided, single submitter. Criteria: Ambry Variant Classification Scheme 2023. Collection method: clinical testing. Allele origin: germline.

PreventionGenetics, part of Exact Sciences
Classification: Uncertain significance for WFS1-related condition. Last evaluated: 2022-12-21. Review status: criteria provided, single submitter. Criteria: ACMG Guidelines, 2015. Collection method: clinical testing. Allele origin: germline.
Comment: The WFS1 c.437G>A variant is predicted to result in the amino acid substitution p.Arg146His. To our knowledge, this variant has not been reported in the literature. This variant is reported in 0.010% of alleles in individuals of African descent in gnomAD. At this time, the clinical significance of this variant is uncertain due to the absence of conclusive functional and genetic evidence.

CeGaT Center for Human Genetics Tuebingen
Classification: Uncertain significance. Last evaluated: 2022-07-01. Review status: criteria provided, single submitter. Criteria: CeGaT Center For Human Genetics Tuebingen Variant Classification Criteria Version 2. Collection method: clinical testing. Allele origin: germline. Affected: yes. Observed: 1 variant allele.

Literature cited by the submitters: PubMed 38400873 (cited by Labcorp Genetics (formerly Invitae), Labcorp and Ambry Genetics).

NM_006005.3(WFS1):c.437G>A (p.Arg146His)

Gene: WFS1 (wolframin ER transmembrane glycoprotein; plus strand). Cytogenetic location: 4p16.1.
Variant type: single nucleotide variant.
Coding change: c.437G>A on transcript NM_006005.3 (MANE Select); coding-DNA position 437, G replaced by A.
Protein change: p.Arg146His; replaces arginine 146 with histidine.
Molecular consequence: missense variant.
Genome position (GRCh38, 1-based): chr4:6,289,108, G>A. VCF-style: chr4-6289108-G-A. GRCh37 (hg19) VCF-style: chr4-6290835-G-A.
Other names: c.437G>A, p.Arg146His (NM_001145853.1); short protein forms R146H.
Identifiers: ClinVar variation 1319042 (VCV001319042.34), dbSNP rs34446752, ClinGen allele CA2838892.